The following is an entry in ClinVar:

ClinVar aggregate classification (germline): Uncertain significance (1 of 4 stars; one submission).

Conditions:
Dilated cardiomyopathy 1HH (CMD1HH). Identifiers: Orphanet 154, MedGen C3151293, MONDO:0013479, OMIM 613881.
Myofibrillar myopathy 6. Identifiers: Orphanet 199340, MedGen C2751831, MONDO:0013061, OMIM 612954.

Submission:

Labcorp Genetics (formerly Invitae), Labcorp
Classification: Uncertain significance for Dilated cardiomyopathy 1HH; Myofibrillar myopathy 6. Last evaluated: 2024-12-04. Review status: criteria provided, single submitter. Criteria: Invitae Variant Classification Sherloc (09022015). Collection method: clinical testing. Allele origin: germline.
Comment: This sequence change replaces threonine, which is neutral and polar, with arginine, which is basic and polar, at codon 231 of the BAG3 protein (p.Thr231Arg). This variant is not present in population databases (gnomAD no frequency). This variant has not been reported in the literature in individuals affected with BAG3-related conditions. Invitae Evidence Modeling of protein sequence and biophysical properties (such as structural, functional, and spatial information, amino acid conservation, physicochemical variation, residue mobility, and thermodynamic stability) has been performed for this missense variant. However, the output from this modeling did not meet the statistical confidence thresholds required to predict the impact of this variant on BAG3 protein function. In summary, the available evidence is currently insufficient to determine the role of this variant in disease. Therefore, it has been classified as a Variant of Uncertain Significance.

NM_004281.4(BAG3):c.692C>G (p.Thr231Arg)

Gene: BAG3 (BAG cochaperone 3; plus strand). Cytogenetic location: 10q26.11.
Variant type: single nucleotide variant.
Coding change: c.692C>G on transcript NM_004281.4 (MANE Select); coding-DNA position 692, C replaced by G.
Protein change: p.Thr231Arg; replaces threonine 231 with arginine.
Molecular consequence: missense variant.
Genome position (GRCh38, 1-based): chr10:119,672,439, C>G. VCF-style: chr10-119672439-C-G. GRCh37 (hg19) VCF-style: chr10-121431951-C-G.
Other names: short protein forms T231R.
Identifiers: ClinVar variation 3758654 (VCV003758654.2).